The following is an entry in ClinVar:

ClinVar aggregate classification (germline): Uncertain significance (1 of 4 stars; one submission).

Conditions:
TTN-related disorder. Also called: TTN-related condition; TTN-related disease; TTN-related disorders.

gnomAD v4.1: 2 of 1,611,660 alleles (0.00012%); highest among the groups gnomAD compares: African/African-American, 0.0027%; no homozygotes.

Submission:

PreventionGenetics, part of Exact Sciences
Classification: Uncertain significance for TTN-related condition. Last evaluated: 2026-07-01. Review status: criteria provided, single submitter. Criteria: ACMG Guidelines, 2015. Collection method: clinical testing. Allele origin: germline.
Comment: The TTN c.18003A>T variant is predicted to result in the amino acid substitution p.Gln6001His. To our knowledge, this variant has not been reported in the literature. This variant is reported in 0.011% of alleles in individuals of African descent in gnomAD. At this time, the clinical significance of this variant is uncertain due to the absence of conclusive functional and genetic evidence.

NM_001267550.2(TTN):c.18003A>T (p.Gln6001His)

Gene: TTN (titin; minus strand). Cytogenetic location: 2q31.2.
Variant type: single nucleotide variant.
Coding change: c.18003A>T on transcript NM_001267550.2 (MANE Select); coding-DNA position 18003, A replaced by T.
Protein change: p.Gln6001His; replaces glutamine 6001 with histidine.
Molecular consequence: missense variant. On other transcripts: intron variant (3).
Genome position (GRCh38, 1-based): chr2:178,730,530, T>A on the plus strand (A>T on the coding strand, the complement: TTN is on the minus strand). VCF-style: chr2-178730530-T-A. GRCh37 (hg19) VCF-style: chr2-179595257-T-A.
Other names: c.17052A>T, p.Gln5684His (NM_001256850.1); c.14271A>T, p.Gln4757His (NM_133378.4); c.13282+7552A>T (NM_003319.4); c.13858+7552A>T (NM_133437.4); c.13657+7552A>T (NM_133432.3); short protein forms Q4757H, Q5684H, Q6001H.
Identifiers: ClinVar variation 4978035 (VCV004978035.1).